The following is an entry in ClinVar:

ClinVar aggregate classification (germline): Likely benign (0 of 4 stars; one submission).

Conditions:
CRISPLD2-related disorder. Also called: CRISPLD2-related condition.

Allele frequency attached by ClinVar (database versions not stated): ExAC 0.00054; gnomAD 0.00161; TOPMed 0.00179; 1000 Genomes Project 0.00180; 1000 Genomes Project 30x 0.00187; ESP Exome Variant Server 0.00254.
gnomAD v4.1: 471 of 1,611,204 alleles (0.029%); highest among the groups gnomAD compares: African/African-American, 0.57%; 2 homozygotes.

Submission:

PreventionGenetics, part of Exact Sciences
Classification: Likely benign for CRISPLD2-related condition. Last evaluated: 2019-06-10. Review status: no assertion criteria provided. Collection method: clinical testing. Allele origin: germline.
Comment: This variant is classified as likely benign based on ACMG/AMP sequence variant interpretation guidelines (Richards et al. 2015 PMID: 25741868, with internal and published modifications).

NM_031476.4(CRISPLD2):c.1305+7A>C

Genes: CRISPLD2 (cysteine rich secretory protein LCCL domain containing 2; plus strand), LOC126862429 (CDK7 strongly-dependent group 2 enhancer GRCh37_chr16:84913207-84914406; plus strand). Cytogenetic location: 16q24.1.
Variant type: single nucleotide variant.
Coding change: c.1305+7A>C on transcript NM_031476.4 (MANE Select); 7 bases into the intron after coding-DNA position 1305, A replaced by C.
Molecular consequence: intron variant.
Genome position (GRCh38, 1-based): chr16:84,880,591, A>C. VCF-style: chr16-84880591-A-C. GRCh37 (hg19) VCF-style: chr16-84914197-A-C.
Identifiers: ClinVar variation 3043906 (VCV003043906.2), dbSNP rs111425745, ClinGen allele CA8212069.